The following is an entry in ClinVar:

ClinVar aggregate classification (germline): Uncertain significance (1 of 4 stars; one submission).

Submission:

Labcorp Genetics (formerly Invitae), Labcorp
Classification: Uncertain significance. Last evaluated: 2025-12-30. Review status: criteria provided, single submitter. Criteria: Invitae Variant Classification Sherloc (09022015). Collection method: clinical testing. Allele origin: germline.
Comment: This sequence change replaces alanine, which is neutral and non-polar, with isoleucine, which is neutral and non-polar, at codon 267 of the AVPR2 protein (p.Ala267Ile). This variant is present in population databases (no rsID available, gnomAD 0.002%). This variant has not been reported in the literature in individuals affected with AVPR2-related conditions. An algorithm developed to predict the effect of missense changes on protein structure and function (PolyPhen-2) suggests that this variant is likely to be disruptive. In summary, the available evidence is currently insufficient to determine the role of this variant in disease. Therefore, it has been classified as a Variant of Uncertain Significance.

NM_000054.7(AVPR2):c.799_800delinsAT (p.Ala267Ile)

Gene: AVPR2 (arginine vasopressin receptor 2; plus strand). Cytogenetic location: Xq28.
Variant type: Indel.
Coding change: c.799_800delinsAT on transcript NM_000054.7 (MANE Select); coding-DNA positions 799 to 800, GC replaced by AT.
Protein change: p.Ala267Ile; replaces alanine 267 with isoleucine.
Molecular consequence: missense variant. On other transcripts: non-coding transcript variant (1).
Genome position (GRCh38, 1-based): chrX:153,906,305-153,906,306, GC replaced by AT. VCF-style: chrX-153906305-GC-AT. GRCh37 (hg19) VCF-style: chrX-153171759-GC-AT.
Other names: c.799_800delinsAT, p.Ala267Ile (NM_001146151.3); short protein forms A267I.
Identifiers: ClinVar variation 4706520 (VCV004706520.1).